The following is an entry in ClinVar:

NM_001190274.2(FBXO11):c.1126C>T (p.His376Tyr)

Gene: FBXO11 (F-box protein 11; minus strand). Cytogenetic location: 2p16.3.
Variant type: single nucleotide variant.
Coding change: c.1126C>T on transcript NM_001190274.2 (MANE Select); coding-DNA position 1126, C replaced by T.
Protein change: p.His376Tyr; replaces histidine 376 with tyrosine.
Molecular consequence: missense variant.
Genome position (GRCh38, 1-based): chr2:47,832,796, G>A on the plus strand (C>T on the coding strand, the complement: FBXO11 is on the minus strand). VCF-style: chr2-47832796-G-A. GRCh37 (hg19) VCF-style: chr2-48059935-G-A.
Other names: c.874C>T, p.His292Tyr (NM_001374325.1, NM_025133.4); c.1126C>T (NM_001190274.1); short protein forms H376Y, H292Y.
Identifiers: ClinVar variation 1444568 (VCV001444568.9), dbSNP rs760270977, ClinGen allele CA1649937.

ClinVar aggregate classification (germline): Uncertain significance. Review status: criteria provided, multiple submitters, no conflicts (2 of 4 stars). 2 submissions from 2 submitters: Uncertain significance (2). Last evaluated 2024-01-31.

Conditions:
Inborn genetic diseases. Identifiers: MedGen C0950123, MeSH D030342.

Allele frequency attached by ClinVar (database versions not stated): ExAC 0.00001; gnomAD exomes 0.00001; gnomAD 0.00002; TOPMed 0.00002.
gnomAD v4.1: 8 of 1,613,376 alleles (0.0005%); highest among the groups gnomAD compares: Non-Finnish European, 0.00068%; no homozygotes.

Submissions (2):

Labcorp Genetics (formerly Invitae), Labcorp
Classification: Uncertain significance. Last evaluated: 2024-01-31. Review status: criteria provided, single submitter. Criteria: Invitae Variant Classification Sherloc (09022015). Collection method: clinical testing. Allele origin: germline.
Comment: This sequence change replaces histidine, which is basic and polar, with tyrosine, which is neutral and polar, at codon 376 of the FBXO11 protein (p.His376Tyr). This variant is present in population databases (rs760270977, gnomAD 0.002%). This variant has not been reported in the literature in individuals affected with FBXO11-related conditions. ClinVar contains an entry for this variant (Variation ID: 1444568). An algorithm developed to predict the effect of missense changes on protein structure and function (PolyPhen-2) suggests that this variant is likely to be tolerated. In summary, the available evidence is currently insufficient to determine the role of this variant in disease. Therefore, it has been classified as a Variant of Uncertain Significance.

Ambry Genetics
Classification: Uncertain significance for Inborn genetic diseases. Last evaluated: 2021-08-02. Review status: criteria provided, single submitter. Criteria: Ambry Variant Classification Scheme 2023. Collection method: clinical testing. Allele origin: germline.